The following is an entry in ClinVar:

ClinVar aggregate classification (germline): Uncertain significance. Review status: criteria provided, multiple submitters, no conflicts (2 of 4 stars). 3 submissions from 3 submitters: Uncertain significance (3). Last evaluated 2026-06-17.

Conditions:
Inborn genetic diseases. Identifiers: MedGen C0950123, MeSH D030342.
Cohen syndrome (COH1). Also called: Cutis verticis gyrata, retinitis pigmentosa, and sensorineural deafness; PEPPER SYNDROME. Identifiers: Orphanet 193, MedGen C0265223, MONDO:0008999, OMIM 216550.
VPS13B-related disorder. Also called: VPS13B-related condition.

Allele frequency attached by ClinVar (database versions not stated): gnomAD exomes below 0.00001.
gnomAD v4.1: 2 of 1,614,034 alleles (0.00012%); highest among the groups gnomAD compares: Admixed American, 0.0033%; no homozygotes.

Submissions (3):

PreventionGenetics, part of Exact Sciences
Classification: Uncertain significance for VPS13B-related condition. Last evaluated: 2026-06-17. Review status: criteria provided, single submitter. Criteria: ACMG Guidelines, 2015. Collection method: clinical testing. Allele origin: germline.
Comment: The VPS13B c.8107T>C variant is predicted to result in the amino acid substitution p.Cys2703Arg. To our knowledge, this variant has not been reported in the literature or in a large population database (gnomAD), indicating this variant is rare. At this time, the clinical significance of this variant is uncertain due to the absence of conclusive functional and genetic evidence.

Ambry Genetics
Classification: Uncertain significance for Inborn genetic diseases. Last evaluated: 2025-11-13. Review status: criteria provided, single submitter. Criteria: Ambry Variant Classification Scheme 2023. Collection method: clinical testing. Allele origin: germline.

Labcorp Genetics (formerly Invitae), Labcorp
Classification: Uncertain significance for Cohen syndrome. Last evaluated: 2024-11-11. Review status: criteria provided, single submitter. Criteria: Invitae Variant Classification Sherloc (09022015). Collection method: clinical testing. Allele origin: germline.
Comment: This sequence change replaces cysteine, which is neutral and slightly polar, with arginine, which is basic and polar, at codon 2728 of the VPS13B protein (p.Cys2728Arg). This variant is not present in population databases (gnomAD no frequency). This variant has not been reported in the literature in individuals affected with VPS13B-related conditions. ClinVar contains an entry for this variant (Variation ID: 1483641). Invitae Evidence Modeling of protein sequence and biophysical properties (such as structural, functional, and spatial information, amino acid conservation, physicochemical variation, residue mobility, and thermodynamic stability) indicates that this missense variant is expected to disrupt VPS13B protein function with a positive predictive value of 80%. In summary, the available evidence is currently insufficient to determine the role of this variant in disease. Therefore, it has been classified as a Variant of Uncertain Significance.

NM_152564.5(VPS13B):c.8107T>C (p.Cys2703Arg)

Gene: VPS13B (vacuolar protein sorting 13 homolog B; plus strand). Cytogenetic location: 8q22.2.
Variant type: single nucleotide variant.
Coding change: c.8107T>C on transcript NM_152564.5 (MANE Select); coding-DNA position 8107, T replaced by C.
Protein change: p.Cys2703Arg; replaces cysteine 2703 with arginine.
Molecular consequence: missense variant.
Genome position (GRCh38, 1-based): chr8:99,817,549, T>C. VCF-style: chr8-99817549-T-C. GRCh37 (hg19) VCF-style: chr8-100829777-T-C.
Other names: c.8182T>C (NM_017890.3); c.8107T>C (NM_152564.4); c.8182T>C, p.Cys2728Arg (NM_017890.5); short protein forms C2728R, C2703R.
Identifiers: ClinVar variation 1483641 (VCV001483641.9), dbSNP rs2130810579, ClinGen allele CA371772304.